The following is an entry in ClinVar:

ClinVar aggregate classification (germline): Uncertain significance (1 of 4 stars; one submission).

Conditions:
Kabuki syndrome. Also called: NIIKAWA-KUROKI SYNDROME; Kabuki make-up syndrome. Identifiers: Orphanet 2322, MedGen C0796004, MONDO:0016512.

Submission:

Labcorp Genetics (formerly Invitae), Labcorp
Classification: Uncertain significance for Kabuki syndrome. Last evaluated: 2022-06-15. Review status: criteria provided, single submitter. Criteria: Invitae Variant Classification Sherloc (09022015). Collection method: clinical testing. Allele origin: germline.
Comment: In summary, the available evidence is currently insufficient to determine the role of this variant in disease. Therefore, it has been classified as a Variant of Uncertain Significance. Advanced modeling of protein sequence and biophysical properties (such as structural, functional, and spatial information, amino acid conservation, physicochemical variation, residue mobility, and thermodynamic stability) performed at Invitae indicates that this missense variant is not expected to disrupt KMT2D protein function. This variant has not been reported in the literature in individuals affected with KMT2D-related conditions. This variant is not present in population databases (gnomAD no frequency). This sequence change replaces proline, which is neutral and non-polar, with serine, which is neutral and polar, at codon 2241 of the KMT2D protein (p.Pro2241Ser).

NM_003482.4(KMT2D):c.6721C>T (p.Pro2241Ser)

Gene: KMT2D (lysine methyltransferase 2D; minus strand). Cytogenetic location: 12q13.12.
Variant type: single nucleotide variant.
Coding change: c.6721C>T on transcript NM_003482.4 (MANE Select); coding-DNA position 6721, C replaced by T.
Protein change: p.Pro2241Ser; replaces proline 2241 with serine.
Molecular consequence: missense variant.
Genome position (GRCh38, 1-based): chr12:49,041,049, G>A on the plus strand (C>T on the coding strand, the complement: KMT2D is on the minus strand). VCF-style: chr12-49041049-G-A. GRCh37 (hg19) VCF-style: chr12-49434832-G-A.
Other names: short protein forms P2241S.
Identifiers: ClinVar variation 2007104 (VCV002007104.4), dbSNP rs2498401249, ClinGen allele CA384749917.